The following is an entry in ClinVar:

NM_002739.5(PRKCG):c.397+10C>G

Gene: PRKCG (protein kinase C gamma; plus strand). Cytogenetic location: 19q13.42.
Variant type: single nucleotide variant.
Coding change: c.397+10C>G on transcript NM_002739.5 (MANE Select); 10 bases into the intron after coding-DNA position 397, C replaced by G.
Molecular consequence: intron variant.
Genome position (GRCh38, 1-based): chr19:53,889,759, C>G. VCF-style: chr19-53889759-C-G. GRCh37 (hg19) VCF-style: chr19-54393013-C-G.
Other names: p.?; c.397+10C>G (LRG_669t1, NM_002739.4, NM_001316329.2).
Identifiers: ClinVar variation 448129 (VCV000448129.4), dbSNP rs759781185, ClinGen allele CA9640273.

ClinVar aggregate classification (germline): Likely benign. Review status: criteria provided, multiple submitters, no conflicts (2 of 4 stars). 3 submissions from 3 submitters: Likely benign (3). Last evaluated 2025-10-10.

Conditions:
PRKCG-related disorder. Also called: PRKCG-related condition.

Allele frequency attached by ClinVar (database versions not stated): ExAC 0.00002; TOPMed 0.00004; gnomAD 0.00005.
gnomAD v4.1: 87 of 1,612,610 alleles (0.0054%); highest among the groups gnomAD compares: Non-Finnish European, 0.0071%; no homozygotes.

Submissions (3):

Mayo Clinic Laboratories, Mayo Clinic
Classification: Likely benign. Last evaluated: 2025-10-10. Review status: criteria provided, single submitter. Criteria: ACMG Guidelines, 2015. Collection method: clinical testing. Allele origin: germline. Observed: 1 variant allele.
Comment: BS2, BP4, BP7

PreventionGenetics, part of Exact Sciences
Classification: Likely benign for PRKCG-related condition. Last evaluated: 2025-03-04. Review status: criteria provided, single submitter. Criteria: ACMG Guidelines, 2015. Collection method: clinical testing. Allele origin: germline.
Comment: This variant is classified as likely benign based on ACMG/AMP sequence variant interpretation guidelines (Richards et al. 2015 PMID: 25741868, with internal and published modifications).

Athena Diagnostics
Classification: Likely benign. Last evaluated: 2023-06-22. Review status: criteria provided, single submitter. Criteria: Athena Diagnostics Criteria. Collection method: clinical testing. Allele origin: unknown.